The following continues an entry in ClinVar:

NM_001042492.3(NF1):c.5609G>A (p.Arg1870Gln)

Gene: NF1. ClinVar aggregate classification (germline): Pathogenic. Pathogenic (22). ClinVar aggregate classification (somatic clinical impact): Tier II - Potential.

Submissions 8 to 21 of 30:

ARUP Laboratories, Molecular Genetics and Genomics, ARUP Laboratories
Classification: Pathogenic. Last evaluated: 2025-03-21. Review status: criteria provided, single submitter. Criteria: ARUP Molecular Germline Variant Investigation Process 2024. Collection method: clinical testing. Allele origin: germline.
Comment: The NF1 c.5609G>A; p.Arg1870Gln variant (rs786202112) is a recurrent alteration in patients diagnosed with neurofibromatosis type I (Ars 2000, Ars 2003, Ko 2013, Messiaen 2000, Pros 2008, Sabbagh 2013). RNA analysis indicates that the variant causes exon skipping, resulting in a frameshift that is predicted to cause a truncated protein or an absent transcript (Ars 2000, Girodon-Boulandet 2000). The variant is also reported in ClinVar (Variation ID: 185354). It is absent from the Genome Aggregation Database, indicating it is not a common polymorphism. Based on available information, this variant is considered to be pathogenic. References: Ars E et al. Mutations affecting mRNA splicing are the most common molecular defects in patients with neurofibromatosis type 1. Hum Mol Genet. 2000; 9(2):237-47. PMID: 10607834. Ars E et al. Recurrent mutations in the NF1 gene are common among neurofibromatosis type 1 patients. J Med Genet. 2003; 40(6):e82. PMID: 12807981. Girodon-Boulandet E et al. NF1 gene analysis focused on CpG-rich exons in a cohort of 93 patients with neurofibromatosis type 1. Hum Mutat. 2000; 16(3):274-5. PMID: 10980545. Ko J et al. Mutation spectrum of NF1 and clinical characteristics in 78 Korean patients with neurofibromatosis type 1. Pediatr Neurol. 2013; 48(6):447-53. PMID: 23668869. Messiaen L et al. Exhaustive mutation analysis of the NF1 gene allows identification of 95% of mutations and reveals a high frequency of unusual splicing defects. Hum Mutat. 2000; 15(6):541-55. PMID: 10862084. Pros E et al. Nature and mRNA effect of 282 different NF1 point mutations: focus on splicing alterations. Hum Mutat. 2008; 29(9):E173-93. PMID: 18546366. Sabbagh A et al. NF1 molecular characterization and neurofibromatosis type I genotype-phenotype correlation: the French experience. Hum Mutat. 2013; 34(11):1510-8. PMID: 23913538.

Blueprint Genetics
Classification: Pathogenic for NF1-related disorders. Last evaluated: 2024-08-06. Review status: criteria provided, single submitter. Criteria: ACMG Guidelines, 2015. Collection method: clinical testing. Allele origin: germline. Affected: yes. Observed: 5 variant alleles.

GeneDx
Classification: Pathogenic. Last evaluated: 2023-06-14. Review status: criteria provided, single submitter. Criteria: GeneDx Variant Classification Process June 2021. Collection method: clinical testing. Allele origin: germline. Affected: yes.
Comment: Published functional studies demonstrate a damaging effect: aberrant splicing resulting in transcripts lacking exon 37 or exons 37 and 38, also called exons 29 and 30 using alternate exon numbering (Girodon-Boulandet et al., 2000; Messiaen et al., 2000); Not observed at significant frequency in large population cohorts (gnomAD); In silico analysis supports that this missense variant has a deleterious effect on protein structure/function; In silico analysis is inconclusive as to whether the variant alters gene splicing; This variant is associated with the following publications: (PMID: 16830335, 30014477, 10862084, 29673180, 25325900, 34418705, 23668869, 25403449, 10712197, 27322474, 19292874, 10607834, 24932921, 29489754, 28955729, 28152038, 10980545, 29618358, 31766501, 16937374, 31776437, 33372952, 33877690, 23913538)

Institute for Genomic Medicine (IGM) Clinical Laboratory, Nationwide Children's Hospital
Classification: Tier II - Potential for Adenocarcinoma of the large intestine. Assertion type: diagnostic. Clinical significance: supports diagnosis. Last evaluated: 2023-05-30. Review status: criteria provided, single submitter. Criteria: AMP/ASCO/CAP Guidelines, 2017. Collection method: clinical testing. Allele origin: somatic. Affected: yes.
Comment: Variant has Tier II (potential) clinical significance as a diagnostic inclusion criterion in colorectal adenocarcinoma, based on the following evidence: 1) Documented in one or more cancer databases (e.g., St. Jude Pecan, COSMIC, CIViC, OncoKB). 2) Information in the literature supports potential biologic effect of variant (PMIDs: 10980545, 10607834). 3) Diagnostic significance based on multiple small studies (Evidence Level C; PMIDs: 18592002, 24951259, 29937994, 31400926, 28617917, 28637487).

Mayo Clinic Laboratories, Mayo Clinic
Classification: Pathogenic. Last evaluated: 2023-04-26. Review status: criteria provided, single submitter. Criteria: ACMG Guidelines, 2015. Collection method: clinical testing. Allele origin: germline. Observed: 8 variant alleles.
Comment: PM2, PS4_moderate, PVS1

Ambry Genetics
Classification: Pathogenic for Cardiovascular phenotype; Hereditary cancer-predisposing syndrome. Last evaluated: 2023-02-22. Review status: criteria provided, single submitter. Criteria: Ambry Variant Classification Scheme 2023. Collection method: clinical testing. Allele origin: germline.
Comment: The c.5546G>A (p.R1849Q) alteration is located in coding exon 37 of the NF1 gene. This alteration results from a G to A substitution at nucleotide position 5546, causing the arginine (R) at amino acid position 1849 to be replaced by a glutamine (Q). This change occurs in the last base pair of coding exon37, which makes it likely to have some effect on normal mRNA splicing. This variant was not reported in population-based cohorts in the Genome Aggregation Database (gnomAD). This variant has been detected in multiple individuals with a clinical diagnosis of neurofibromatosis type 1 (Ars, 2000; R&uuml;bben, 2006; Ko, 2013; Anastasaki, 2017; Palma Milla, 2018). This nucleotide position is highly conserved in available vertebrate species. This amino acid position is highly conserved in available vertebrate species. RNA studies have demonstrated that this variant results in skipping of coding exon 37 (Ars, 2000; Pros, 2006; Ambry internal data). In silico splice site analysis predicts that this alteration may weaken the native splice donor site. This amino acid alteration is predicted to be deleterious by in silico analysis. Based on the available evidence, this alteration is classified as pathogenic.

3billion
Classification: Pathogenic for Neurofibromatosis, type 1. Last evaluated: 2022-05-22. Review status: criteria provided, single submitter. Criteria: ACMG Guidelines, 2015. Collection method: clinical testing. Allele origin: germline. Affected: yes. Observed: 1 heterozygote.
Comment: The variant is not observed in the gnomAD v2.1.1 dataset. Missense variant: previously reported to alter splicing and result in a loss of normal protein fucnction through nonsense-mediated decay (NMD) or protein truncation (PMID:. 10607834. Predicted Consequence/Location:). Same nucleotide change resulting in same amino acid change has been previously reported as pathogenic/likely pathogenic with strong evidence (ClinVar ID: VCV000185354). The variant has been observed in multiple (>3) similarly affected unrelated individuals (PMID: 10862084, 10980545, 12807981, 25325900, 29673180, 31776437). A different missense change at the same codon (p.Arg1870Leu) has been reported to be associated with NF1 related disorder (ClinVar ID: VCV001070186). Therefore, this variant is classified as pathogenic according to the recommendation of ACMG/AMP guideline.

Genome-Nilou Lab
Classification: Pathogenic for Neurofibromatosis, type 1. Last evaluated: 2022-03-15. Review status: criteria provided, single submitter. Criteria: ACMG Guidelines, 2015. Collection method: clinical testing. Allele origin: germline. Affected: no.

Baylor Genetics
Classification: Pathogenic for Juvenile myelomonocytic leukemia. Last evaluated: 2022-02-07. Review status: criteria provided, single submitter. Criteria: ACMG Guidelines, 2015. Collection method: clinical testing. Allele origin: unknown.

Dasa
Classification: Pathogenic for Neurofibromatosis, type 1. Last evaluated: 2022-01-05. Review status: criteria provided, single submitter. Criteria: ACMG Guidelines, 2015. Collection method: clinical testing. Allele origin: germline. Affected: yes. Observed: 1 variant allele.
Comment: The c.5546G>A;p.(Arg1849Gln) missense variant has been observed in affected individual(s) and ClinVar contains an entry for this variant (Clinvar ID: 185354; PMID: 23668869; 16937374; 10862084; 10980545; 11857752; 12807981; 10607834) - PS4. Well-established in vitro or in vivo functional studies support a damaging effect on the gene or gene product (PMID: 16937374; 18546366; 10862084; 10980545) - PS3. This variant is not present in population databases (rs786202112, gnomAD; ABraOM no frequency) - PM2. Missense variant in NF1 that has a low rate of benign missense variation and in which missense variants are a common mechanism of disease - PP2. Multiple lines of computational evidence support a deleterious effect on the gene or gene product - PP3. In summary, the currently available evidence indicates that the variant is pathogenic.

Genome Diagnostics Laboratory, The Hospital for Sick Children
Classification: Pathogenic for Neurofibromatosis, type 1. Last evaluated: 2020-10-26. Review status: criteria provided, single submitter. Criteria: ACMG Guidelines, 2015. Collection method: clinical testing. Allele origin: germline. Affected: yes.

Institute of Medical Genetics and Applied Genomics, University Hospital Tübingen
Classification: Pathogenic. Last evaluated: 2020-10-23. Review status: criteria provided, single submitter. Criteria: ACMG Guidelines, 2015. Collection method: clinical testing. Allele origin: germline. Inheritance: Unknown mechanism. Affected: yes.

Fulgent Genetics
Classification: Pathogenic for Neurofibromatosis, type 1; Neurofibromatosis, familial spinal; Café-au-lait macules with pulmonary stenosis; Neurofibromatosis-Noonan syndrome; Juvenile myelomonocytic leukemia. Last evaluated: 2018-10-31. Review status: criteria provided, single submitter. Criteria: ACMG Guidelines, 2015. Collection method: clinical testing. Allele origin: unknown.

Center for Human Genetics, Inc
Classification: Pathogenic for Neurofibromatosis, type 1. Last evaluated: 2016-11-01. Review status: criteria provided, single submitter. Criteria: ACMG Guidelines, 2015. Collection method: clinical testing. Allele origin: germline. Affected: yes.